The following is an entry in ClinVar:

NM_198391.3(FLRT3):c.999G>A (p.Met333Ile)

Genes: MACROD2 (mono-ADP ribosylhydrolase 2; plus strand), FLRT3 (fibronectin leucine rich transmembrane protein 3; minus strand). Cytogenetic location: 20p12.1.
Variant type: single nucleotide variant.
Coding change: c.999G>A on transcript NM_198391.3 (MANE Select); coding-DNA position 999, G replaced by A.
Protein change: p.Met333Ile; replaces methionine 333 with isoleucine.
Molecular consequence: missense variant. On other transcripts: intron variant (3).
Genome position (GRCh38, 1-based): chr20:14,326,508, C>T on the plus strand (G>A on the coding strand, the complement: FLRT3 is on the minus strand). VCF-style: chr20-14326508-C-T. GRCh37 (hg19) VCF-style: chr20-14307154-C-T.
Other names: c.999G>A, p.Met333Ile (NM_013281.4); c.272-166971C>T (NM_001351661.2, NM_001351663.2, NM_080676.6); short protein forms M333I.
Identifiers: ClinVar variation 1710063 (VCV001710063.2), dbSNP rs2514830526, ClinGen allele CA408296737.

ClinVar aggregate classification (germline): Uncertain significance (1 of 4 stars; one submission).

Conditions:
Hypogonadotropic hypogonadism 21 with or without anosmia (HH21). Also called: HYPOGONADOTROPIC HYPOGONADISM 21 WITH ANOSMIA. Identifiers: Orphanet 478, MedGen C3808986, MONDO:0014107, OMIM 615271.

Submission:

MGZ Medical Genetics Center
Classification: Uncertain significance for Hypogonadotropic hypogonadism 21 with or without anosmia. Last evaluated: 2021-11-04. Review status: criteria provided, single submitter. Criteria: ACMG Guidelines, 2015. Collection method: clinical testing. Allele origin: germline. Affected: yes. Observed: 1 variant allele.
Comment: ACMG criteria applied: PM2_SUP, BP4